The following is an entry in ClinVar:

NM_139276.3(STAT3):c.2015A>G (p.Tyr672Cys)

Gene: STAT3 (signal transducer and activator of transcription 3; minus strand). Cytogenetic location: 17q21.2.
Variant type: single nucleotide variant.
Coding change: c.2015A>G on transcript NM_139276.3 (MANE Select); coding-DNA position 2015, A replaced by G.
Protein change: p.Tyr672Cys; replaces tyrosine 672 with cysteine.
Molecular consequence: missense variant.
Genome position (GRCh38, 1-based): chr17:42,322,368, T>C on the plus strand (A>G on the coding strand, the complement: STAT3 is on the minus strand). VCF-style: chr17-42322368-T-C. GRCh37 (hg19) VCF-style: chr17-40474386-T-C.
Other names: c.2015A>G, p.Tyr672Cys (NM_001369512.1, NM_001369513.1, NM_001369514.1 and 7 more transcripts); short protein forms Y672C.
Identifiers: ClinVar variation 847202 (VCV000847202.10), dbSNP rs1407556958, ClinGen allele CA399581684.

ClinVar aggregate classification (germline): Uncertain significance (1 of 4 stars; one submission).

Conditions:
STAT3 gain of function. Identifiers: MedGen C4288261.
Hyper-IgE recurrent infection syndrome 1, autosomal dominant. Also called: JOB SYNDROME; Job's Syndrome; STAT3 Hyper IgE Syndrome; Hyper-IgE recurrent infection syndrome 1; HYPER-IgE SYNDROME 1, AUTOSOMAL DOMINANT, WITH RECURRENT INFECTIONS. Identifiers: Orphanet 2314, MedGen C2936739, MONDO:0007818, OMIM 147060.

Allele frequency attached by ClinVar (database versions not stated): gnomAD exomes below 0.00001.
gnomAD v4.1: 1 of 1,614,220 alleles (0.000062%); highest among the groups gnomAD compares: Non-Finnish European, 0.000085%; no homozygotes.

Submission:

Labcorp Genetics (formerly Invitae), Labcorp
Classification: Uncertain significance for STAT3 gain of function; Hyper-IgE recurrent infection syndrome 1, autosomal dominant. Last evaluated: 2024-01-02. Review status: criteria provided, single submitter. Criteria: Invitae Variant Classification Sherloc (09022015). Collection method: clinical testing. Allele origin: germline.
Comment: This sequence change replaces tyrosine, which is neutral and polar, with cysteine, which is neutral and slightly polar, at codon 672 of the STAT3 protein (p.Tyr672Cys). This variant is not present in population databases (gnomAD no frequency). This variant has not been reported in the literature in individuals affected with STAT3-related conditions. ClinVar contains an entry for this variant (Variation ID: 847202). Advanced modeling of protein sequence and biophysical properties (such as structural, functional, and spatial information, amino acid conservation, physicochemical variation, residue mobility, and thermodynamic stability) performed at Invitae indicates that this missense variant is expected to disrupt STAT3 protein function with a positive predictive value of 80%. In summary, the available evidence is currently insufficient to determine the role of this variant in disease. Therefore, it has been classified as a Variant of Uncertain Significance.